The following is an entry in ClinVar:

ClinVar aggregate classification (germline): Conflicting classifications of pathogenicity. Review status: criteria provided, conflicting classifications (1 of 4 stars). 5 submissions from 5 submitters: Uncertain significance (4); Likely benign (1). Last evaluated 2026-01-01.

Conditions:
Sessile serrated polyposis cancer syndrome (SSPCS). Identifiers: Orphanet 157798, MedGen C4310714, MONDO:0014919, OMIM 617108.

Allele frequency attached by ClinVar (database versions not stated): ExAC 0.00004; gnomAD exomes 0.00004; TOPMed 0.00006; gnomAD 0.00007; ESP Exome Variant Server 0.00023.
gnomAD v4.1: 152 of 1,607,838 alleles (0.0095%); highest among the groups gnomAD compares: Non-Finnish European, 0.012%; no homozygotes.

Submissions (5):

CeGaT Center for Human Genetics Tuebingen
Classification: Uncertain significance. Last evaluated: 2026-01-01. Review status: criteria provided, single submitter. Criteria: CeGaT Center For Human Genetics Tuebingen Variant Classification Criteria Version 2. Collection method: clinical testing. Allele origin: germline. Affected: yes. Observed: 1 variant allele.

Labcorp Genetics (formerly Invitae), Labcorp
Classification: Uncertain significance. Last evaluated: 2025-03-05. Review status: criteria provided, single submitter. Criteria: Invitae Variant Classification Sherloc (09022015). Collection method: clinical testing. Allele origin: germline.
Comment: This sequence change replaces alanine, which is neutral and non-polar, with serine, which is neutral and polar, at codon 115 of the RNF43 protein (p.Ala115Ser). This variant is present in population databases (rs201364571, gnomAD 0.008%). This variant has not been reported in the literature in individuals affected with RNF43-related conditions. ClinVar contains an entry for this variant (Variation ID: 963226). An algorithm developed to predict the effect of missense changes on protein structure and function (PolyPhen-2) suggests that this variant is likely to be tolerated. In summary, the available evidence is currently insufficient to determine the role of this variant in disease. Therefore, it has been classified as a Variant of Uncertain Significance.

Ambry Genetics
Classification: Likely benign. Last evaluated: 2025-01-27. Review status: criteria provided, single submitter. Criteria: Ambry Variant Classification Scheme 2023. Collection method: clinical testing. Allele origin: germline.

GeneDx
Classification: Uncertain significance. Last evaluated: 2024-11-11. Review status: criteria provided, single submitter. Criteria: GeneDx Variant Classification Process June 2021. Collection method: clinical testing. Allele origin: germline.
Comment: In silico analysis indicates that this missense variant does not alter protein structure/function; Has not been previously published as pathogenic or benign to our knowledge

Baylor Genetics
Classification: Uncertain significance for Sessile serrated polyposis cancer syndrome. Last evaluated: 2024-03-25. Review status: criteria provided, single submitter. Criteria: ACMG Guidelines, 2015. Collection method: clinical testing. Allele origin: unknown.

NM_017763.6(RNF43):c.343G>T (p.Ala115Ser)

Gene: RNF43 (ring finger protein 43; minus strand). Cytogenetic location: 17q22.
Variant type: single nucleotide variant.
Coding change: c.343G>T on transcript NM_017763.6 (MANE Select); coding-DNA position 343, G replaced by T.
Protein change: p.Ala115Ser; replaces alanine 115 with serine.
Molecular consequence: missense variant.
Genome position (GRCh38, 1-based): chr17:58,370,943, C>A on the plus strand (G>T on the coding strand, the complement: RNF43 is on the minus strand). VCF-style: chr17-58370943-C-A. GRCh37 (hg19) VCF-style: chr17-56448304-C-A.
Other names: c.343G>T (NM_017763.4); c.343G>T, p.Ala115Ser (NM_001305544.3); c.-39G>T (NM_001305545.2); short protein forms A115S.
Identifiers: ClinVar variation 963226 (VCV000963226.16), dbSNP rs201364571, ClinGen allele CA8673465.